The following is an entry in ClinVar:

NM_002292.4(LAMB2):c.2749C>T (p.Arg917Trp)

Gene: LAMB2 (laminin subunit beta 2; minus strand). Cytogenetic location: 3p21.31.
Variant type: single nucleotide variant.
Coding change: c.2749C>T on transcript NM_002292.4 (MANE Select); coding-DNA position 2749, C replaced by T.
Protein change: p.Arg917Trp; replaces arginine 917 with tryptophan.
Molecular consequence: missense variant.
Genome position (GRCh38, 1-based): chr3:49,125,141, G>A on the plus strand (C>T on the coding strand, the complement: LAMB2 is on the minus strand). VCF-style: chr3-49125141-G-A. GRCh37 (hg19) VCF-style: chr3-49162574-G-A.
Other names: short protein forms R917W.
Identifiers: ClinVar variation 1008347 (VCV001008347.2), dbSNP rs754155232, ClinGen allele CA2394216.

ClinVar aggregate classification (germline): Uncertain significance (1 of 4 stars; one submission).

Conditions:
Pierson syndrome. Also called: MICROCORIA-CONGENITAL NEPHROTIC SYNDROME. Identifiers: Orphanet 2670, MedGen C1836876, MONDO:0012184, OMIM 609049.
LAMB2-related infantile-onset nephrotic syndrome. Also called: NEPHROTIC SYNDROME, TYPE 5, WITHOUT OCULAR ABNORMALITIES; NEPHROTIC SYNDROME, TYPE 5, WITH OCULAR ABNORMALITIES; Nephrotic Syndrome, type 5. Identifiers: Orphanet 306507, MedGen C3280113, MONDO:0013621, OMIM 614199.

Allele frequency attached by ClinVar (database versions not stated): TOPMed below 0.00001; gnomAD 0.00001; gnomAD exomes 0.00002; ExAC 0.00003.

Submission:

Labcorp Genetics (formerly Invitae), Labcorp
Classification: Uncertain significance for LAMB2-related infantile-onset nephrotic syndrome; Pierson syndrome. Last evaluated: 2022-03-18. Review status: criteria provided, single submitter. Criteria: Invitae Variant Classification Sherloc (09022015). Collection method: clinical testing. Allele origin: germline.
Comment: This sequence change replaces arginine, which is basic and polar, with tryptophan, which is neutral and slightly polar, at codon 917 of the LAMB2 protein (p.Arg917Trp). This variant is present in population databases (rs754155232, gnomAD 0.006%). This variant has not been reported in the literature in individuals affected with LAMB2-related conditions. ClinVar contains an entry for this variant (Variation ID: 1008347). Algorithms developed to predict the effect of missense changes on protein structure and function are either unavailable or do not agree on the potential impact of this missense change (SIFT: "Deleterious"; PolyPhen-2: "Possibly Damaging"; Align-GVGD: "Class C0"). In summary, the available evidence is currently insufficient to determine the role of this variant in disease. Therefore, it has been classified as a Variant of Uncertain Significance.